The following is an entry in ClinVar:

ClinVar aggregate classification (germline): Uncertain significance (1 of 4 stars; one submission).

gnomAD v4.1: 3 of 1,614,054 alleles (0.00019%); highest among the groups gnomAD compares: Non-Finnish European, 0.00017%; no homozygotes.

Submission:

Women's Health and Genetics/Laboratory Corporation of America, LabCorp
Classification: Uncertain significance. Last evaluated: 2025-11-12. Review status: criteria provided, single submitter. Criteria: LabCorp Variant Classification Summary - May 2015. Collection method: clinical testing. Allele origin: germline.
Comment: Variant summary: EFHC1 c.1201A>G (p.Ile401Val) results in a conservative amino acid change in the encoded protein sequence. Algorithms developed to predict the effect of missense changes on protein structure and function all suggest that this variant is likely to be tolerated. The variant allele was found at a frequency of 8e-06 in 251316 control chromosomes. The available data on variant occurrences in the general population are insufficient to allow any conclusion about variant significance. To our knowledge, no occurrence of c.1201A>G in individuals affected with EFHC1-related conditions and no experimental evidence demonstrating its impact on protein function have been reported. No submitters have cited clinical-significance assessments for this variant to ClinVar. Based on the evidence outlined above, the variant was classified as uncertain significance.

NM_018100.4(EFHC1):c.1201A>G (p.Ile401Val)

Gene: EFHC1 (EF-hand domain containing 1; plus strand). Cytogenetic location: 6p12.2.
Variant type: single nucleotide variant.
Coding change: c.1201A>G on transcript NM_018100.4 (MANE Select); coding-DNA position 1201, A replaced by G.
Protein change: p.Ile401Val; replaces isoleucine 401 with valine.
Molecular consequence: missense variant. On other transcripts: non-coding transcript variant (1).
Genome position (GRCh38, 1-based): chr6:52,469,396, A>G. VCF-style: chr6-52469396-A-G. GRCh37 (hg19) VCF-style: chr6-52334194-A-G.
Other names: c.1144A>G, p.Ile382Val (NM_001172420.2); short protein forms I382V, I401V.
Identifiers: ClinVar variation 4536777 (VCV004536777.1).